The following is an entry in ClinVar:

ClinVar aggregate classification (germline): Likely benign. Review status: criteria provided, single submitter (1 of 4 stars). 2 submissions from 2 submitters: Likely benign (1). 1 of the submissions does not count toward it. Last evaluated 2022-02-11.

Conditions:
BRAF-related disorder. Also called: BRAF-related condition.
Cardiovascular phenotype. Identifiers: MedGen CN230736.

Submissions (2):

Ambry Genetics
Classification: Likely benign for Cardiovascular phenotype. Last evaluated: 2022-02-11. Review status: criteria provided, single submitter. Criteria: Ambry Variant Classification Scheme 2023. Collection method: clinical testing. Allele origin: germline.

PreventionGenetics, part of Exact Sciences
Classification: Likely benign for BRAF-related condition. Last evaluated: 2024-05-23. Review status: no assertion criteria provided. Collection method: clinical testing. Allele origin: germline. Not counted in ClinVar's aggregate classification.
Comment: This variant is classified as likely benign based on ACMG/AMP sequence variant interpretation guidelines (Richards et al. 2015 PMID: 25741868, with internal and published modifications).

NM_004333.6(BRAF):c.87C>G (p.Ala29=)

Gene: BRAF (B-Raf proto-oncogene, serine/threonine kinase; minus strand). Cytogenetic location: 7q34.
Variant type: single nucleotide variant.
Coding change: c.87C>G on transcript NM_004333.6 (MANE Select); coding-DNA position 87, C replaced by G.
Protein change: p.Ala29=; no amino-acid change (alanine 29 retained).
Molecular consequence: synonymous variant.
Genome position (GRCh38, 1-based): chr7:140,924,617, G>C on the plus strand (C>G on the coding strand, the complement: BRAF is on the minus strand). VCF-style: chr7-140924617-G-C. GRCh37 (hg19) VCF-style: chr7-140624417-G-C.
Other names: c.87C>G, p.Ala29= (NM_001354609.2, NM_001374244.1, NM_001374258.1 and 7 more transcripts).
Identifiers: ClinVar variation 1764713 (VCV001764713.3), dbSNP rs1344877993, ClinGen allele CA458124852.